The following is an entry in ClinVar:

NM_001367624.2(ZNF469):c.7363C>G (p.Pro2455Ala)

Gene: ZNF469 (zinc finger protein 469; plus strand). Cytogenetic location: 16q24.2.
Variant type: single nucleotide variant.
Coding change: c.7363C>G on transcript NM_001367624.2 (MANE Select); coding-DNA position 7363, C replaced by G.
Protein change: p.Pro2455Ala; replaces proline 2455 with alanine.
Molecular consequence: missense variant.
Genome position (GRCh38, 1-based): chr16:88,434,833, C>G. VCF-style: chr16-88434833-C-G. GRCh37 (hg19) VCF-style: chr16-88501241-C-G.
Other names: NM_001127464.1:c.7279C>G; short protein forms P2455A.
Identifiers: ClinVar variation 3258233 (VCV003258233.1).

ClinVar aggregate classification (germline): Uncertain significance (1 of 4 stars; one submission).

Conditions:
Cardiovascular phenotype. Identifiers: MedGen CN230736.

gnomAD v4.1: 3 of 1,550,368 alleles (0.00019%); highest among the groups gnomAD compares: Non-Finnish European, 0.00026%; no homozygotes.

Submission:

Ambry Genetics
Classification: Uncertain significance for Cardiovascular phenotype. Last evaluated: 2024-04-08. Review status: criteria provided, single submitter. Criteria: Ambry Variant Classification Scheme 2023. Collection method: clinical testing. Allele origin: germline.
Comment: The p.P2427A variant (also known as c.7279C>G), located in coding exon 2 of the ZNF469 gene, results from a C to G substitution at nucleotide position 7279. The proline at codon 2427 is replaced by alanine, an amino acid with highly similar properties. This amino acid position is conserved. In addition, this alteration is predicted to be tolerated by in silico analysis. Based on the available evidence, the clinical significance of this variant remains unclear.